The following is an entry in ClinVar:

NM_001037333.3(CYFIP2):c.404G>A (p.Arg135Gln)

Gene: CYFIP2 (cytoplasmic FMR1 interacting protein 2; plus strand). Cytogenetic location: 5q33.3.
Variant type: single nucleotide variant.
Coding change: c.404G>A on transcript NM_001037333.3 (MANE Select); coding-DNA position 404, G replaced by A.
Protein change: p.Arg135Gln; replaces arginine 135 with glutamine.
Molecular consequence: missense variant.
Genome position (GRCh38, 1-based): chr5:157,300,731, G>A. VCF-style: chr5-157300731-G-A. GRCh37 (hg19) VCF-style: chr5-156727739-G-A.
Other names: c.326G>A, p.Arg109Gln (NM_001291721.2); c.404G>A, p.Arg135Gln (NM_001291722.2, NM_014376.4); short protein forms R109Q, R135Q.
Identifiers: ClinVar variation 2119622 (VCV002119622.4), dbSNP rs1357183737, ClinGen allele CA361966230.
Genomic context (GRCh38, chr5:157,300,731, plus strand): 5'-TAAGGGAGCACAGTGGACCTTACTCACTGCCCCTCTGCCCCCAGCGCAAGGCCATCGAGC[G>A]GTTCTGCAGCGAGGTGAAGCGGCTGTGCCATGCCGAGCGCAGGAAGGACTTTGTCTCTGA-3'
Protein context (NP_001032410.1, residues 125-145): FMYFQRKAIE[Arg135Gln]FCSEVKRLCH

ClinVar aggregate classification (germline): Uncertain significance (1 of 4 stars; one submission).

Allele frequency attached by ClinVar (database versions not stated): gnomAD exomes below 0.00001.
gnomAD v4.1: 2 of 1,602,672 alleles (0.00012%); highest among the groups gnomAD compares: Non-Finnish European, 0.00017%; no homozygotes.

Submission:

Labcorp Genetics (formerly Invitae), Labcorp
Classification: Uncertain significance. Last evaluated: 2022-06-04. Review status: criteria provided, single submitter. Criteria: Invitae Variant Classification Sherloc (09022015). Collection method: clinical testing. Allele origin: germline.
Comment: This sequence change replaces arginine, which is basic and polar, with glutamine, which is neutral and polar, at codon 135 of the CYFIP2 protein (p.Arg135Gln). In summary, the available evidence is currently insufficient to determine the role of this variant in disease. Therefore, it has been classified as a Variant of Uncertain Significance. Algorithms developed to predict the effect of missense changes on protein structure and function are either unavailable or do not agree on the potential impact of this missense change (SIFT: "Tolerated"; PolyPhen-2: "Not Available"; Align-GVGD: "Class C0"). This variant has not been reported in the literature in individuals affected with CYFIP2-related conditions. The frequency data for this variant in the population databases is considered unreliable, as metrics indicate poor data quality at this position in the gnomAD database.